The following is an entry in ClinVar:

NM_004369.4(COL6A3):c.9295G>A (p.Val3099Met)

Gene: COL6A3 (collagen type VI alpha 3 chain; minus strand). Cytogenetic location: 2q37.3.
Variant type: single nucleotide variant.
Coding change: c.9295G>A on transcript NM_004369.4 (MANE Select); coding-DNA position 9295, G replaced by A.
Protein change: p.Val3099Met; replaces valine 3099 with methionine.
Molecular consequence: missense variant.
Genome position (GRCh38, 1-based): chr2:237,333,483, C>T on the plus strand (G>A on the coding strand, the complement: COL6A3 is on the minus strand). VCF-style: chr2-237333483-C-T. GRCh37 (hg19) VCF-style: chr2-238242126-C-T.
Other names: c.7474G>A, p.Val2492Met (NM_057166.5); c.8677G>A, p.Val2893Met (NM_057167.4); short protein forms V2492M, V2893M, V3099M.
Identifiers: ClinVar variation 3360787 (VCV003360787.1).

ClinVar aggregate classification (germline): Uncertain significance (1 of 4 stars; one submission).

gnomAD v4.1: 1 of 1,614,196 alleles (0.000062%); highest among the groups gnomAD compares: Non-Finnish European, 0.000085%; no homozygotes.

Submission:

GeneDx
Classification: Uncertain significance. Last evaluated: 2023-07-13. Review status: criteria provided, single submitter. Criteria: GeneDx Variant Classification Process June 2021. Collection method: clinical testing. Allele origin: germline. Affected: yes.
Comment: Not observed at significant frequency in large population cohorts (gnomAD); In silico analysis supports that this missense variant does not alter protein structure/function; Has not been previously published as pathogenic or benign to our knowledge